The following is an entry in ClinVar:

ClinVar aggregate classification (germline): Likely pathogenic (1 of 4 stars; one submission).

Allele frequency attached by ClinVar (database versions not stated): gnomAD exomes below 0.00001.
gnomAD v4.1: 2 of 1,613,842 alleles (0.00012%); highest among the groups gnomAD compares: Non-Finnish European, 0.00017%; no homozygotes.

Submission:

Labcorp Genetics (formerly Invitae), Labcorp
Classification: Likely pathogenic. Last evaluated: 2023-05-22. Review status: criteria provided, single submitter. Criteria: Invitae Variant Classification Sherloc (09022015). Collection method: clinical testing. Allele origin: germline.
Comment: In summary, the currently available evidence indicates that the variant is pathogenic, but additional data are needed to prove that conclusively. Therefore, this variant has been classified as Likely Pathogenic. This sequence change affects a donor splice site in intron 7 of the ADGRG1 gene. It is expected to disrupt RNA splicing. Variants that disrupt the donor or acceptor splice site typically lead to a loss of protein function (PMID: 16199547), and loss-of-function variants in ADGRG1 are known to be pathogenic (PMID: 15044805, 20929962). This variant is present in population databases (no rsID available, gnomAD 0.0009%). This variant has not been reported in the literature in individuals affected with ADGRG1-related conditions. ClinVar contains an entry for this variant (Variation ID: 1468313). Algorithms developed to predict the effect of sequence changes on RNA splicing suggest that this variant may disrupt the consensus splice site.

Literature cited by the submitters: PubMed 16199547; PubMed 15044805; PubMed 20929962.

NM_201525.4(ADGRG1):c.900+1G>A

Gene: ADGRG1 (adhesion G protein-coupled receptor G1; plus strand). Cytogenetic location: 16q21.
Variant type: single nucleotide variant.
Coding change: c.900+1G>A on transcript NM_201525.4 (MANE Select); the canonical splice donor site of the intron after coding-DNA position 900, G replaced by A.
Molecular consequence: splice donor variant.
Genome position (GRCh38, 1-based): chr16:57,655,531, G>A. VCF-style: chr16-57655531-G-A. GRCh37 (hg19) VCF-style: chr16-57689443-G-A.
Other names: c.900+1G>A (NM_001370434.1, NM_001370432.1, NM_001370439.1 and 16 more transcripts); c.744+1G>A (NM_001370442.1); c.915+1G>A (NM_001370433.1, NM_001145773.3); c.375+1G>A (NM_001370454.1, NM_001290144.2, NM_001370451.1 and 2 more transcripts); c.390+1G>A (NM_001290142.2).
Identifiers: ClinVar variation 1468313 (VCV001468313.6), dbSNP rs1438758851, ClinGen allele CA396047394.